The following is an entry in ClinVar:

ClinVar aggregate classification (germline): Uncertain significance (1 of 4 stars; one submission).

Conditions:
Deficiency of 2-methylbutyryl-CoA dehydrogenase (ACADSB). Also called: 2-methylbutyrylglycinuria; 2-methylbutyryl-CoA dehydrogenase deficiency; SBCAD deficiency; 2-methylbutyric aciduria; Short branched-chain acyl-CoA dehydrogenase deficiency. Identifiers: Orphanet 79157, MedGen C1864912, MONDO:0012392, OMIM 610006, HP:0020147.

Submission:

Labcorp Genetics (formerly Invitae), Labcorp
Classification: Uncertain significance for Deficiency of 2-methylbutyryl-CoA dehydrogenase. Last evaluated: 2022-02-11. Review status: criteria provided, single submitter. Criteria: Invitae Variant Classification Sherloc (09022015). Collection method: clinical testing. Allele origin: germline.
Comment: In summary, the available evidence is currently insufficient to determine the role of this variant in disease. Therefore, it has been classified as a Variant of Uncertain Significance. Algorithms developed to predict the effect of missense changes on protein structure and function are either unavailable or do not agree on the potential impact of this missense change (SIFT: "Deleterious"; PolyPhen-2: "Benign"; Align-GVGD: "Class C0"). This variant has not been reported in the literature in individuals affected with ACADSB-related conditions. This variant is not present in population databases (gnomAD no frequency). This sequence change replaces isoleucine, which is neutral and non-polar, with phenylalanine, which is neutral and non-polar, at codon 146 of the ACADSB protein (p.Ile146Phe).

NM_001609.4(ACADSB):c.436A>T (p.Ile146Phe)

Gene: ACADSB (acyl-CoA dehydrogenase short/branched chain; plus strand). Cytogenetic location: 10q26.13.
Variant type: single nucleotide variant.
Coding change: c.436A>T on transcript NM_001609.4 (MANE Select); coding-DNA position 436, A replaced by T.
Protein change: p.Ile146Phe; replaces isoleucine 146 with phenylalanine.
Molecular consequence: missense variant.
Genome position (GRCh38, 1-based): chr10:123,040,598, A>T. VCF-style: chr10-123040598-A-T. GRCh37 (hg19) VCF-style: chr10-124800114-A-T.
Other names: c.130A>T, p.Ile44Phe (NM_001330174.3); short protein forms I44F, I146F.
Identifiers: ClinVar variation 2096944 (VCV002096944.4), dbSNP rs2493648988, ClinGen allele CA378618217.